The following is an entry in ClinVar:

NM_007055.4(POLR3A):c.1724A>T (p.Lys575Met)

Gene: POLR3A (RNA polymerase III subunit A; minus strand). Cytogenetic location: 10q22.3.
Variant type: single nucleotide variant.
Coding change: c.1724A>T on transcript NM_007055.4 (MANE Select); coding-DNA position 1724, A replaced by T.
Protein change: p.Lys575Met; replaces lysine 575 with methionine.
Molecular consequence: missense variant.
Genome position (GRCh38, 1-based): chr10:78,009,910, T>A on the plus strand (A>T on the coding strand, the complement: POLR3A is on the minus strand). VCF-style: chr10-78009910-T-A. GRCh37 (hg19) VCF-style: chr10-79769668-T-A.
Other names: p.Lys575Met; short protein forms K575M.
Identifiers: ClinVar variation 301068 (VCV000301068.23), dbSNP rs56214655, ClinGen allele CA5571354.

ClinVar aggregate classification (germline): Benign/Likely benign. Review status: criteria provided, multiple submitters, no conflicts (2 of 4 stars). 8 submissions from 8 submitters: Benign (4); Likely benign (3). 1 of the submissions does not count toward it. Last evaluated 2026-02-01.

Conditions:
POLR3A-related disorder. Also called: POLR3A-related disorders; POLR3A-related condition. Identifiers: MedGen CN378587, MONDO:0700276.
Leukodystrophy, hypomyelinating, 7, with or without oligodontia and/or hypogonadotropic hypogonadism (HLD7). Also called: LEUKOENCEPHALOPATHY, HYPOMYELINATING, WITH ATAXIA AND DELAYED DENTITION; ATAXIA, DELAYED DENTITION, AND HYPOMYELINATION; LEUKODYSTROPHY, HYPOMYELINATING, 7, WITH OLIGODONTIA; LEUKODYSTROPHY, HYPOMYELINATING, 7, WITH OLIGODONTIA AND HYPOGONADOTROPIC HYPOGONADISM; LEUKODYSTROPHY, HYPOMYELINATING, 7, WITHOUT OLIGODONTIA OR HYPOGONADOTROPIC HYPOGONADISM; Ataxia, Delayed Dentition and Hypomyelination (ADDH). Identifiers: Orphanet 137639, Orphanet 447893, Orphanet 447896, Orphanet 77295, Orphanet 88637, MedGen CN034185, MONDO:0011897, OMIM 607694.
Neonatal pseudo-hydrocephalic progeroid syndrome. Also called: Wiedemann-Rautenstrauch syndrome. Identifiers: Orphanet 3455, MedGen C0406586, MONDO:0009910, OMIM 264090.

Allele frequency attached by ClinVar (database versions not stated): 1000 Genomes Project 0.01478; gnomAD 0.01512 and 0.01630; ESP Exome Variant Server 0.01607; 1000 Genomes Project 30x 0.01655; TOPMed 0.01703.

Submissions (8):

Labcorp Genetics (formerly Invitae), Labcorp
Classification: Benign. Last evaluated: 2026-02-01. Review status: criteria provided, single submitter. Criteria: Invitae Variant Classification Sherloc (09022015). Collection method: clinical testing. Allele origin: germline.

Mayo Clinic Laboratories, Mayo Clinic
Classification: Benign. Last evaluated: 2024-02-02. Review status: criteria provided, single submitter. Criteria: ACMG Guidelines, 2015. Collection method: clinical testing. Allele origin: germline. Observed: 4 variant alleles.
Comment: BA1

Fulgent Genetics
Classification: Likely benign for Neonatal pseudo-hydrocephalic progeroid syndrome; Leukodystrophy, hypomyelinating, 7, with or without oligodontia and/or hypogonadotropic hypogonadism. Last evaluated: 2022-04-28. Review status: criteria provided, single submitter. Criteria: ACMG Guidelines, 2015. Collection method: clinical testing. Allele origin: unknown.

GeneDx
Classification: Benign. Last evaluated: 2021-05-05. Review status: criteria provided, single submitter. Criteria: GeneDx Variant Classification Process June 2021. Collection method: clinical testing. Allele origin: germline. Affected: yes.
Comment: This variant is associated with the following publications: (PMID: 26096995)

Illumina Laboratory Services, Illumina
Classification: Benign for Leukodystrophy, hypomyelinating, 7, with or without oligodontia and/or hypogonadotropic hypogonadism. Last evaluated: 2018-01-13. Review status: criteria provided, single submitter. Criteria: ICSL Variant Classification Criteria 13 December 2019. Collection method: clinical testing. Allele origin: germline.
Comment: This variant was observed in the ICSL laboratory as part of a predisposition screen in an ostensibly healthy population. It had not been previously curated by ICSL or reported in the Human Gene Mutation Database (HGMD: prior to June 1st, 2018), and was therefore a candidate for classification through an automated scoring system. Utilizing variant allele frequency, disease prevalence and penetrance estimates, and inheritance mode, an automated score was calculated to assess if this variant is too frequent to cause the disease. Based on the score and internal cut-off values, a variant classified as benign is not then subjected to further curation. The score for this variant resulted in a classification of benign for this disease.

Center for Pediatric Genomic Medicine, Children's Mercy Hospital and Clinics
Classification: Likely benign. Last evaluated: 2017-08-11. Review status: criteria provided, single submitter. Criteria: ACMG Guidelines, 2015. Collection method: clinical testing. Allele origin: germline.

Breakthrough Genomics
Classification: Likely benign. Review status: criteria provided, single submitter. Criteria: ACMG Guidelines, 2015. Collection method: not provided. Allele origin: germline. Inheritance: Autosomal recessive inheritance. Affected: yes.

PreventionGenetics, part of Exact Sciences
Classification: Benign for POLR3A-related condition. Last evaluated: 2019-09-11. Review status: no assertion criteria provided. Collection method: clinical testing. Allele origin: germline. Not counted in ClinVar's aggregate classification.
Comment: This variant is classified as benign based on ACMG/AMP sequence variant interpretation guidelines (Richards et al. 2015 PMID: 25741868, with internal and published modifications).